The following is an entry in ClinVar:

NM_001292063.2(OTOG):c.8690G>C (p.Trp2897Ser)

Gene: OTOG (otogelin; plus strand). Cytogenetic location: 11p15.1.
Variant type: single nucleotide variant.
Coding change: c.8690G>C on transcript NM_001292063.2 (MANE Select); coding-DNA position 8690, G replaced by C.
Protein change: p.Trp2897Ser; replaces tryptophan 2897 with serine.
Molecular consequence: missense variant.
Genome position (GRCh38, 1-based): chr11:17,645,892, G>C. VCF-style: chr11-17645892-G-C. GRCh37 (hg19) VCF-style: chr11-17667439-G-C.
Other names: c.8726G>C, p.Trp2909Ser (NM_001277269.2); short protein forms W2909S, W2897S.
Identifiers: ClinVar variation 226923 (VCV000226923.18), dbSNP rs11024357, ClinGen allele CA5906331.

ClinVar aggregate classification (germline): Benign. Review status: criteria provided, multiple submitters, no conflicts (2 of 4 stars). 6 submissions from 6 submitters: Benign (6). Last evaluated 2026-02-03.

Conditions:
Autosomal recessive nonsyndromic hearing loss 18B. Also called: Deafness, autosomal recessive 18b. Identifiers: Orphanet 90636, MedGen C3554163, MONDO:0013985, OMIM 614945.

Allele frequency attached by ClinVar (database versions not stated): 1000 Genomes Project 30x 0.17473; 1000 Genomes Project 0.17772; TOPMed 0.18287; gnomAD 0.19620 and 0.19739; gnomAD exomes 0.20035; ExAC 0.24464.
gnomAD v4.1: 343,121 of 1,550,390 alleles (22%); highest among the groups gnomAD compares: South Asian, 27%; 39,302 homozygotes.

Submissions (6):

Labcorp Genetics (formerly Invitae), Labcorp
Classification: Benign. Last evaluated: 2026-02-03. Review status: criteria provided, single submitter. Criteria: Invitae Variant Classification Sherloc (09022015). Collection method: clinical testing. Allele origin: germline.

Genome-Nilou Lab
Classification: Benign for Autosomal recessive nonsyndromic hearing loss 18B. Last evaluated: 2021-05-18. Review status: criteria provided, single submitter. Criteria: ACMG Guidelines, 2015. Collection method: clinical testing. Allele origin: germline. Affected: no.

Mayo Clinic Laboratories, Mayo Clinic
Classification: Benign. Last evaluated: 2020-10-20. Review status: criteria provided, single submitter. Criteria: ACMG Guidelines, 2015. Collection method: clinical testing. Allele origin: germline. Observed: 51 variant alleles.

GeneDx
Classification: Benign. Last evaluated: 2017-08-03. Review status: criteria provided, single submitter. Criteria: GeneDx Variant Classification (06012015). Collection method: clinical testing. Allele origin: germline. Affected: yes.
Comment: This variant is considered likely benign or benign based on one or more of the following criteria: it is a conservative change, it occurs at a poorly conserved position in the protein, it is predicted to be benign by multiple in silico algorithms, and/or has population frequency not consistent with disease.

Laboratory for Molecular Medicine, Mass General Brigham Personalized Medicine
Classification: Benign. Last evaluated: 2014-11-24. Review status: criteria provided, single submitter. Criteria: LMM Criteria. Collection method: clinical testing. Allele origin: germline. Observed: 352 variant alleles.
Comment: Trp2909Ser in exon 55 of OTOG: This variant is not expected to have clinical sig nificance because it has been identified in 32.1% (9/28) of Spanish (Iberian) ch romosomes from a broad population by the 1000 Genomes Project (dbSNP rs11024357).

Breakthrough Genomics
Classification: Benign. Review status: criteria provided, single submitter. Criteria: ACMG Guidelines, 2015. Collection method: not provided. Allele origin: germline. Inheritance: Autosomal recessive inheritance. Affected: yes.